The following is an entry in ClinVar:

ClinVar aggregate classification (germline): Conflicting classifications of pathogenicity. Review status: criteria provided, conflicting classifications (1 of 4 stars). 7 submissions from 7 submitters: Uncertain significance (6); Likely benign (1). Last evaluated 2025-08-07.

Conditions:
Hypokalemic periodic paralysis, type 1. Also called: HypoPP; Hypokalemic Periodic Paralysis Type 1 (AD). Identifiers: Orphanet 681, MedGen C3714580, MONDO:0042979, OMIM 170400.
Malignant hyperthermia, susceptibility to, 5 (MHS5). Also called: CACNA1S-Related Malignant Hyperthermia Susceptibility. Identifiers: Orphanet 423, MedGen C1866077, MONDO:0011163, OMIM 601887.
Inborn genetic diseases. Identifiers: MedGen C0950123, MeSH D030342.
Malignant hyperthermia of anesthesia. Also called: Anesthesic-triggered malignant hyperthermia. Identifiers: Orphanet 423, MedGen C0024591, MONDO:0018493, HP:0034733.

Allele frequency attached by ClinVar (database versions not stated): gnomAD 0.00004; TOPMed 0.00005; gnomAD exomes 0.00006 and 0.00007; 1000 Genomes Project 30x 0.00016; 1000 Genomes Project 0.00020.
gnomAD v4.1: 108 of 1,614,042 alleles (0.0067%); highest among the groups gnomAD compares: Middle Eastern, 0.049%; no homozygotes.

Submissions (7):

Labcorp Genetics (formerly Invitae), Labcorp
Classification: Uncertain significance for Hypokalemic periodic paralysis, type 1; Malignant hyperthermia, susceptibility to, 5. Last evaluated: 2025-08-07. Review status: criteria provided, single submitter. Criteria: Invitae Variant Classification Sherloc (09022015). Collection method: clinical testing. Allele origin: germline.
Comment: This sequence change replaces alanine, which is neutral and non-polar, with threonine, which is neutral and polar, at codon 200 of the CACNA1S protein (p.Ala200Thr). This variant is present in population databases (rs527702358, gnomAD 0.01%). This variant has not been reported in the literature in individuals affected with CACNA1S-related conditions. ClinVar contains an entry for this variant (Variation ID: 294777). Invitae Evidence Modeling of protein sequence and biophysical properties (such as structural, functional, and spatial information, amino acid conservation, physicochemical variation, residue mobility, and thermodynamic stability) has been performed for this missense variant. However, the output from this modeling did not meet the statistical confidence thresholds required to predict the impact of this variant on CACNA1S protein function. In summary, the available evidence is currently insufficient to determine the role of this variant in disease. Therefore, it has been classified as a Variant of Uncertain Significance.

GeneDx
Classification: Uncertain significance. Last evaluated: 2025-01-30. Review status: criteria provided, single submitter. Criteria: GeneDx Variant Classification Process June 2021. Collection method: clinical testing. Allele origin: germline. Affected: yes.
Comment: In silico analysis supports that this missense variant has a deleterious effect on protein structure/function; Has not been previously published as pathogenic or benign to our knowledge

Blueprint Genetics
Classification: Uncertain significance. Last evaluated: 2024-08-29. Review status: criteria provided, single submitter. Criteria: ACMG Guidelines, 2015. Collection method: clinical testing. Allele origin: germline.

Color Diagnostics, LLC DBA Color Health
Classification: Uncertain significance for Malignant hyperthermia, susceptibility to, 5. Last evaluated: 2023-12-06. Review status: criteria provided, single submitter. Criteria: ACMG Guidelines, 2015. Collection method: clinical testing. Allele origin: germline.
Comment: This missense variant replaces alanine with threonine at codon 200 of the CACNA1S protein. Computational prediction is inconclusive regarding the impact of this variant on protein structure and function. To our knowledge, functional studies have not been reported for this variant. This variant has not been reported in individuals affected with CACNA1S-related disorders in the literature. This variant has been identified in 19/282710 chromosomes in the general population by the Genome Aggregation Database (gnomAD). The available evidence is insufficient to determine the role of this variant in disease conclusively. Therefore, this variant is classified as a Variant of Uncertain Significance.

CeGaT Center for Human Genetics Tuebingen
Classification: Likely benign. Last evaluated: 2023-11-01. Review status: criteria provided, single submitter. Criteria: CeGaT Center For Human Genetics Tuebingen Variant Classification Criteria Version 2. Collection method: clinical testing. Allele origin: germline. Affected: yes. Observed: 1 variant allele.
Comment: CACNA1S: BS2

Ambry Genetics
Classification: Uncertain significance for Inborn genetic diseases. Last evaluated: 2021-10-20. Review status: criteria provided, single submitter. Criteria: Ambry Variant Classification Scheme 2023. Collection method: clinical testing. Allele origin: germline.

CSER _CC_NCGL, University of Washington
Classification: Uncertain significance for Malignant hyperthermia. Last evaluated: 2016-10-01. Review status: criteria provided, single submitter. Criteria: Amendola et al. (Genome Res. 2015). Collection method: research. Allele origin: germline. Affected: no. Study: CSER - NEXT Medicine variant annotation.
Comment: This interpretation considers GERP score and allele frequency data, in addition to published reports of the variant in the literature, available at the time of review.

NM_000069.3(CACNA1S):c.598G>A (p.Ala200Thr)

Gene: CACNA1S (calcium voltage-gated channel subunit alpha1 S; minus strand). Cytogenetic location: 1q32.1.
Variant type: single nucleotide variant.
Coding change: c.598G>A on transcript NM_000069.3 (MANE Select); coding-DNA position 598, G replaced by A.
Protein change: p.Ala200Thr; replaces alanine 200 with threonine.
Molecular consequence: missense variant.
Genome position (GRCh38, 1-based): chr1:201,091,736, C>T on the plus strand (G>A on the coding strand, the complement: CACNA1S is on the minus strand). VCF-style: chr1-201091736-C-T. GRCh37 (hg19) VCF-style: chr1-201060864-C-T.
Other names: short protein forms A200T.
Identifiers: ClinVar variation 294777 (VCV000294777.40), dbSNP rs527702358, ClinGen allele CA083920.